The following is an entry in ClinVar:

NM_020320.5(RARS2):c.772-4_772-3del

Gene: RARS2 (arginyl-tRNA synthetase 2, mitochondrial; minus strand). Cytogenetic location: 6q15.
Variant type: Deletion.
Coding change: c.772-4_772-3del on transcript NM_020320.5 (MANE Select); 4 bases into the intron before coding-DNA position 772 through 3 bases into the intron before coding-DNA position 772, 2 bases deleted (TT; older notation c.772-4_772-3delTT).
Molecular consequence: intron variant.
Genome position (GRCh38, 1-based): chr6:87,529,651-87,529,652, AA deleted on the plus strand (TT on the coding strand, the reverse complement: RARS2 is on the minus strand); deleting any 2 consecutive bases within chr6:87,529,651-87,529,654 gives the same sequence; the c. name uses the placement nearest the transcript's 3' end. VCF-style (leftmost placement, unchanged base first): chr6-87529650-TAA-T. GRCh37 (hg19) VCF-style: chr6-88239368-TAA-T.
Other names: c.772-4_772-3del (NM_001350505.2); c.247-4_247-3del (NM_001350509.2, NM_001318785.2, NM_001350506.2 and 4 more transcripts); c.772-4_772-3delTT (NM_020320.3).
Identifiers: ClinVar variation 215074 (VCV000215074.7), dbSNP rs368859792, ClinGen allele CA322118.

ClinVar aggregate classification (germline): Conflicting classifications of pathogenicity. Review status: criteria provided, conflicting classifications (1 of 4 stars). 4 submissions from 4 submitters: Uncertain significance (2); Likely benign (1). 1 of the submissions does not count toward it. Last evaluated 2026-01-28.

Conditions:
Pontocerebellar hypoplasia type 6 (PCH6). Identifiers: Orphanet 166073, MedGen C1969084, MONDO:0012683, OMIM 611523.

Submissions (4):

Labcorp Genetics (formerly Invitae), Labcorp
Classification: Likely benign. Last evaluated: 2026-01-28. Review status: criteria provided, single submitter. Criteria: Invitae Variant Classification Sherloc (09022015). Collection method: clinical testing. Allele origin: germline.

Blueprint Genetics
Classification: Uncertain significance. Last evaluated: 2024-07-23. Review status: criteria provided, single submitter. Criteria: ACMG Guidelines, 2015. Collection method: clinical testing. Allele origin: germline.

GeneDx
Classification: Uncertain significance. Last evaluated: 2014-09-15. Review status: criteria provided, single submitter. Criteria: GeneDx Variant Classification (06012015). Collection method: clinical testing. Allele origin: germline. Affected: yes.
Comment: c.772-4_772-3delTT: IVS9-4_-3delTT in intron 9 of the RARS2 gene (NM_020320.3). The normal sequence with the bases that are deleted in braces is: tctt{tt}agCG with the exonic bases in upper case and the intronic bases in lower case. A variant of unknown significance has been identified in the RARS2 gene. The c.772-4_-3delTT variant has not been published as a mutation, nor has it been reported as a benign polymorphism to our knowledge. In silico analysis predicts this variant may damage or destroy the natural splice acceptor site in intron 9 leading to abnormal splicing. Therefore, based on the currently available information, it is unclear whether this variant is a pathogenic mutation or a rare benign variant. The variant is found in MITONUC-MITOP panel(s).

Natera, Inc.
Classification: Uncertain significance for Pontocerebellar hypoplasia, type 6. Last evaluated: 2019-11-11. Review status: no assertion criteria provided. Collection method: clinical testing. Allele origin: germline. Not counted in ClinVar's aggregate classification.